The following is an entry in ClinVar:

ClinVar aggregate classification (germline): Uncertain significance (1 of 4 stars; one submission).

Conditions:
Cardiovascular phenotype. Identifiers: MedGen CN230736.

Submission:

Ambry Genetics
Classification: Uncertain significance for Cardiovascular phenotype. Last evaluated: 2022-06-27. Review status: criteria provided, single submitter. Criteria: Ambry Variant Classification Scheme 2023. Collection method: clinical testing. Allele origin: germline.
Comment: The p.L8I variant (also known as c.22C>A), located in coding exon 1 of the TECRL gene, results from a C to A substitution at nucleotide position 22. The leucine at codon 8 is replaced by isoleucine, an amino acid with highly similar properties. This amino acid position is conserved. In addition, this alteration is predicted to be tolerated by in silico analysis. Since supporting evidence is limited at this time, the clinical significance of this alteration remains unclear.

NM_001010874.5(TECRL):c.22C>A (p.Leu8Ile)

Gene: TECRL (trans-2,3-enoyl-CoA reductase like; minus strand). Cytogenetic location: 4q13.1.
Variant type: single nucleotide variant.
Coding change: c.22C>A on transcript NM_001010874.5 (MANE Select); coding-DNA position 22, C replaced by A.
Protein change: p.Leu8Ile; replaces leucine 8 with isoleucine.
Molecular consequence: missense variant.
Genome position (GRCh38, 1-based): chr4:64,409,330, G>T on the plus strand (C>A on the coding strand, the complement: TECRL is on the minus strand). VCF-style: chr4-64409330-G-T. GRCh37 (hg19) VCF-style: chr4-65275048-G-T.
Other names: c.22C>A, p.Leu8Ile (NM_001363796.1); short protein forms L8I.
Identifiers: ClinVar variation 1789253 (VCV001789253.2), dbSNP rs762237226, ClinGen allele CA357149575.